The following is an entry in ClinVar:

ClinVar aggregate classification (germline): Likely benign. Review status: criteria provided, multiple submitters, no conflicts (2 of 4 stars). 2 submissions from 2 submitters: Likely benign (2). Last evaluated 2026-01-06.

Allele frequency attached by ClinVar (database versions not stated): gnomAD 0.00002; TOPMed 0.00003; ExAC 0.00005.
gnomAD v4.1: 29 of 1,613,974 alleles (0.0018%); highest among the groups gnomAD compares: East Asian, 0.0022%; no homozygotes.

Submissions (2):

Labcorp Genetics (formerly Invitae), Labcorp
Classification: Likely benign. Last evaluated: 2026-01-06. Review status: criteria provided, single submitter. Criteria: Invitae Variant Classification Sherloc (09022015). Collection method: clinical testing. Allele origin: germline.

CeGaT Center for Human Genetics Tuebingen
Classification: Likely benign. Last evaluated: 2023-02-01. Review status: criteria provided, single submitter. Criteria: CeGaT Center For Human Genetics Tuebingen Variant Classification Criteria Version 2. Collection method: clinical testing. Allele origin: germline. Affected: yes. Observed: 1 variant allele.
Comment: CRLF1: BP4, BP7

NM_004750.5(CRLF1):c.585C>T (p.Cys195=)

Gene: CRLF1 (cytokine receptor like factor 1; minus strand). Cytogenetic location: 19p13.11.
Variant type: single nucleotide variant.
Coding change: c.585C>T on transcript NM_004750.5 (MANE Select); coding-DNA position 585, C replaced by T.
Protein change: p.Cys195=; no amino-acid change (cysteine 195 retained).
Molecular consequence: synonymous variant.
Genome position (GRCh38, 1-based): chr19:18,598,544, G>A on the plus strand (C>T on the coding strand, the complement: CRLF1 is on the minus strand). VCF-style: chr19-18598544-G-A. GRCh37 (hg19) VCF-style: chr19-18709354-G-A.
Identifiers: ClinVar variation 2176302 (VCV002176302.28), dbSNP rs770690590, ClinGen allele CA9314186.